The following is an entry in ClinVar:

NM_000038.6(APC):c.1959-14T>C

Gene: APC (APC regulator of Wnt signaling pathway; plus strand). Cytogenetic location: 5q22.2.
Variant type: single nucleotide variant.
Coding change: c.1959-14T>C on transcript NM_000038.6 (MANE Select); 14 bases into the intron before coding-DNA position 1959, T replaced by C.
Molecular consequence: intron variant.
Genome position (GRCh38, 1-based): chr5:112,837,539, T>C. VCF-style: chr5-112837539-T-C. GRCh37 (hg19) VCF-style: chr5-112173236-T-C.
Other names: c.1110-14T>C (NM_001407470.1, NM_001354906.2); c.807-14T>C (NM_001407472.1, NM_001407471.1); c.2013-14T>C (NM_001407447.1, NM_001407448.1, NM_001407449.1 and 1 more transcripts); c.1959-14T>C (NM_001354895.2, NM_001407450.1, NM_001127510.3); c.1710-14T>C (NM_001407456.1, NM_001407457.1, NM_001407455.1 and 1 more transcripts); c.1656-14T>C (NM_001407460.1, NM_001407458.1, NM_001407459.1 and 1 more transcripts); c.1929-14T>C (NM_001407452.1); c.1572-14T>C (NM_001407469.1, NM_001407467.1); and 11 more.
Identifiers: ClinVar variation 3148169 (VCV003148169.3), dbSNP rs2149857355, ClinGen allele CA2709988629.
Genomic context (GRCh38, chr5:112,837,539, plus strand): 5'-CTTCTATCCTTTTATTTGTTGTTACTGCATACACATTGTGACCTTAATTTTGTGATCTCT[T>C]GATTTTATTTCAGGCAAATCCTAAGAGAGAACAACTGTCTACAAACTTTATTACAACACT-3'

ClinVar aggregate classification (germline): Likely benign. Review status: criteria provided, multiple submitters, no conflicts (2 of 4 stars). 2 submissions from 2 submitters: Likely benign (2). Last evaluated 2024-12-23.

Conditions:
Familial adenomatous polyposis 1 (FAP1). Also called: POLYPOSIS, ADENOMATOUS INTESTINAL; FAMILIAL ADENOMATOUS POLYPOSIS 1, ATTENUATED. Identifiers: MedGen C2713442, MONDO:0021056, OMIM 175100. Disease mechanism: loss of function.

Submissions (2):

Labcorp Genetics (formerly Invitae), Labcorp
Classification: Likely benign for Familial adenomatous polyposis 1. Last evaluated: 2024-12-23. Review status: criteria provided, single submitter. Criteria: Invitae Variant Classification Sherloc (09022015). Collection method: clinical testing. Allele origin: germline.

Myriad Genetics, Inc.
Classification: Likely benign for Familial adenomatous polyposis 1. Last evaluated: 2024-03-08. Review status: criteria provided, single submitter. Criteria: Myriad Autosomal Dominant, Autosomal Recessive and X-Linked Classification Criteria (2023). Collection method: clinical testing. Allele origin: unknown.
Comment: This variant is considered likely benign. This variant is intronic and is not expected to impact mRNA splicing.